The following is an entry in ClinVar:

NM_000540.3(RYR1):c.13191C>T (p.Ala4397=)

Gene: RYR1 (ryanodine receptor 1; plus strand). Cytogenetic location: 19q13.2.
Variant type: single nucleotide variant.
Coding change: c.13191C>T on transcript NM_000540.3 (MANE Select); coding-DNA position 13191, C replaced by T.
Protein change: p.Ala4397=; no amino-acid change (alanine 4397 retained).
Molecular consequence: synonymous variant.
Genome position (GRCh38, 1-based): chr19:38,565,525, C>T. VCF-style: chr19-38565525-C-T. GRCh37 (hg19) VCF-style: chr19-39056165-C-T.
Other names: c.13176C>T, p.Ala4392= (NM_001042723.2).
Identifiers: ClinVar variation 329124 (VCV000329124.18), dbSNP rs543458339, ClinGen allele CA059625.

ClinVar aggregate classification (germline): Conflicting classifications of pathogenicity. Review status: criteria provided, conflicting classifications (1 of 4 stars). 5 submissions from 4 submitters: Uncertain significance (1); Likely benign (4). Last evaluated 2026-01-04.

Conditions:
RYR1-related disorder. Also called: RYR1-related disorders; RYR1-related condition. Identifiers: MedGen CN239331.
Congenital multicore myopathy with external ophthalmoplegia (CMYO1B). Also called: MULTIMINICORE DISEASE WITH EXTERNAL OPHTHALMOPLEGIA; MULTICORE MYOPATHY; Congenital myopathy 1B, autosomal recessive; Minicore myopathy; Minicore myopathy with external ophthalmoplegia. Identifiers: Orphanet 598, Orphanet 98905, MedGen C1850674, MONDO:0009712, OMIM 255320, HP:0003789.
Malignant hyperthermia, susceptibility to, 1 (MHS1). Also called: Anesthesia related hyperthermia; Malignant hyperpyrexia; Fulminating hyperpyrexia; Pharmacogenic myopathy; RYR1-Related Malignant Hyperthermia Susceptibility; Malignant hyperthermia suceptibility 1. Identifiers: Orphanet 423, MedGen C2930980, MONDO:0007783, OMIM 145600.

Allele frequency attached by ClinVar (database versions not stated): gnomAD below 0.00001 and 0.00003; TOPMed below 0.00001; gnomAD exomes 0.00008 and 0.00026; 1000 Genomes Project 30x 0.00031; 1000 Genomes Project 0.00040; ExAC 0.00142.
gnomAD v4.1: 107 of 1,502,826 alleles (0.0071%); highest among the groups gnomAD compares: South Asian, 0.13%; 1 homozygote.

Submissions (5):

Labcorp Genetics (formerly Invitae), Labcorp
Classification: Likely benign for RYR1-related disorder. Last evaluated: 2026-01-04. Review status: criteria provided, single submitter. Criteria: Invitae Variant Classification Sherloc (09022015). Collection method: clinical testing. Allele origin: germline.

Blueprint Genetics
Classification: Likely benign. Last evaluated: 2023-07-27. Review status: criteria provided, single submitter. Criteria: ACMG Guidelines, 2015. Collection method: clinical testing. Allele origin: germline.

GeneDx
Classification: Likely benign. Last evaluated: 2021-05-07. Review status: criteria provided, single submitter. Criteria: GeneDx Variant Classification Process June 2021. Collection method: clinical testing. Allele origin: germline. Affected: yes.
Comment: See Variant Classification Assertion Criteria.

Illumina Laboratory Services, Illumina
Classification: Uncertain significance for Congenital multicore myopathy with external ophthalmoplegia. Last evaluated: 2018-01-12. Review status: criteria provided, single submitter. Criteria: ICSL Variant Classification Criteria 13 December 2019. Collection method: clinical testing. Allele origin: germline.

Illumina Laboratory Services, Illumina
Classification: Likely benign for Malignant hyperthermia, susceptibility to, 1. Last evaluated: 2018-01-12. Review status: criteria provided, single submitter. Criteria: ICSL Variant Classification Criteria 13 December 2019. Collection method: clinical testing. Allele origin: germline.
Comment: This variant was observed in the ICSL laboratory as part of a predisposition screen in an ostensibly healthy population. It had not been previously curated by ICSL or reported in the Human Gene Mutation Database (HGMD: prior to June 1st, 2018), and was therefore a candidate for classification through an automated scoring system. Utilizing variant allele frequency, disease prevalence and penetrance estimates, and inheritance mode, an automated score was calculated to assess if this variant is too frequent to cause the disease. Based on the score and internal cut-off values, a variant classified as likely benign is not then subjected to further curation. The score for this variant resulted in a classification of likely benign for this disease.